The following is an entry in ClinVar:

ClinVar aggregate classification (germline): Likely benign (1 of 4 stars; one submission).

Conditions:
Autosomal recessive congenital ichthyosis 5 (ARCI5). Also called: Ichthyosis, nonlamellar and nonerythrodermic, congenital, autosomal recessive; ICHTHYOSIS CONGENITA III. Identifiers: Orphanet 313, MedGen C1858133, MONDO:0011485, OMIM 604777.

Allele frequency attached by ClinVar (database versions not stated): gnomAD exomes 0.00085 and 0.00044; 1000 Genomes Project 0.00519; gnomAD 0.00467 and 0.00488; TOPMed 0.00529; 1000 Genomes Project 30x 0.00531; ExAC 0.00138; ESP Exome Variant Server 0.00334.
gnomAD v4.1: 1,363 of 1,545,524 alleles (0.088%); highest among the groups gnomAD compares: African/African-American, 1.6%; 12 homozygotes.

Submission:

Illumina Laboratory Services, Illumina
Classification: Likely benign for Autosomal recessive congenital ichthyosis 5. Last evaluated: 2018-01-12. Review status: criteria provided, single submitter. Criteria: ICSL Variant Classification Criteria 13 December 2019. Collection method: clinical testing. Allele origin: germline.
Comment: This variant was observed in the ICSL laboratory as part of a predisposition screen in an ostensibly healthy population. It had not been previously curated by ICSL or reported in the Human Gene Mutation Database (HGMD: prior to June 1st, 2018), and was therefore a candidate for classification through an automated scoring system. Utilizing variant allele frequency, disease prevalence and penetrance estimates, and inheritance mode, an automated score was calculated to assess if this variant is too frequent to cause the disease. Based on the score and internal cut-off values, a variant classified as likely benign is not then subjected to further curation. The score for this variant resulted in a classification of likely benign for this disease.

NM_173483.4(CYP4F22):c.*26G>A

Gene: CYP4F22 (cytochrome P450 family 4 subfamily F member 22; plus strand). Cytogenetic location: 19p13.12.
Variant type: single nucleotide variant.
Coding change: c.*26G>A on transcript NM_173483.4 (MANE Select); 26 bases downstream of the stop codon, G replaced by A.
Molecular consequence: 3 prime UTR variant.
Genome position (GRCh38, 1-based): chr19:15,551,497, G>A. VCF-style: chr19-15551497-G-A. GRCh37 (hg19) VCF-style: chr19-15662308-G-A.
Identifiers: ClinVar variation 328449 (VCV000328449.5), dbSNP rs146912509, ClinGen allele CA9269997.